The following is an entry in ClinVar:

ClinVar aggregate classification (germline): Uncertain significance (1 of 4 stars; one submission).

Conditions:
Microcephaly-intellectual disability-sensorineural hearing loss-epilepsy-abnormal muscle tone syndrome (NEDHSB). Also called: NEURODEVELOPMENTAL DISORDER WITH HEARING LOSS, SEIZURES, AND BRAIN ABNORMALITIES. Identifiers: Orphanet 457351, MedGen C4225276, MONDO:0014698, OMIM 616577.

Allele frequency attached by ClinVar (database versions not stated): gnomAD exomes below 0.00001; ExAC 0.00001.
gnomAD v4.1: 3 of 1,612,238 alleles (0.00019%); highest among the groups gnomAD compares: Non-Finnish European, 0.00025%; no homozygotes.

Submission:

Labcorp Genetics (formerly Invitae), Labcorp
Classification: Uncertain significance for Microcephaly-intellectual disability-sensorineural hearing loss-epilepsy-abnormal muscle tone syndrome. Last evaluated: 2022-04-08. Review status: criteria provided, single submitter. Criteria: Invitae Variant Classification Sherloc (09022015). Collection method: clinical testing. Allele origin: germline.
Comment: This variant has not been reported in the literature in individuals affected with SPATA5-related conditions. Algorithms developed to predict the effect of missense changes on protein structure and function output the following: SIFT: "Tolerated"; PolyPhen-2: "Benign"; Align-GVGD: "Class C0". The serine amino acid residue is found in multiple mammalian species, which suggests that this missense change does not adversely affect protein function. In summary, the available evidence is currently insufficient to determine the role of this variant in disease. Therefore, it has been classified as a Variant of Uncertain Significance. This variant is present in population databases (rs774842837, gnomAD 0.0009%). This sequence change replaces alanine, which is neutral and non-polar, with serine, which is neutral and polar, at codon 504 of the SPATA5 protein (p.Ala504Ser).

NM_145207.3(AFG2A):c.1510G>T (p.Ala504Ser)

Gene: AFG2A (AAA ATPase AFG2A; plus strand). Cytogenetic location: 4q28.1.
Variant type: single nucleotide variant.
Coding change: c.1510G>T on transcript NM_145207.3 (MANE Select); coding-DNA position 1510, G replaced by T.
Protein change: p.Ala504Ser; replaces alanine 504 with serine.
Molecular consequence: missense variant.
Genome position (GRCh38, 1-based): chr4:122,947,284, G>T. VCF-style: chr4-122947284-G-T. GRCh37 (hg19) VCF-style: chr4-123868439-G-T.
Other names: c.1507G>T, p.Ala503Ser (NM_001317799.2, NM_001345856.2); short protein forms A504S, A503S.
Identifiers: ClinVar variation 2123003 (VCV002123003.3), dbSNP rs774842837, ClinGen allele CA3070481.